The following is an entry in ClinVar:

ClinVar aggregate classification (germline): Uncertain significance (1 of 4 stars; one submission).

Conditions:
Werner syndrome (WRN). Identifiers: Orphanet 902, MedGen C0043119, MONDO:0010196, OMIM 277700.

Allele frequency attached by ClinVar (database versions not stated): gnomAD exomes below 0.00001 and 0.00001; TOPMed below 0.00001; ExAC 0.00001.
gnomAD v4.1: 14 of 1,613,714 alleles (0.00087%); highest among the groups gnomAD compares: Non-Finnish European, 0.001%; no homozygotes.

Submission:

Labcorp Genetics (formerly Invitae), Labcorp
Classification: Uncertain significance for Werner syndrome. Last evaluated: 2022-07-01. Review status: criteria provided, single submitter. Criteria: Invitae Variant Classification Sherloc (09022015). Collection method: clinical testing. Allele origin: germline.
Comment: This sequence change falls in intron 31 of the WRN gene. It does not directly change the encoded amino acid sequence of the WRN protein. It affects a nucleotide within the consensus splice site. This variant is present in population databases (rs764656814, gnomAD 0.0009%). This variant has not been reported in the literature in individuals affected with WRN-related conditions. ClinVar contains an entry for this variant (Variation ID: 1041726). Variants that disrupt the consensus splice site are a relatively common cause of aberrant splicing (PMID: 17576681, 9536098). Algorithms developed to predict the effect of sequence changes on RNA splicing suggest that this variant may disrupt the consensus splice site. In summary, the available evidence is currently insufficient to determine the role of this variant in disease. Therefore, it has been classified as a Variant of Uncertain Significance.

Literature cited by the submitters: PubMed 17576681; PubMed 9536098.

NM_000553.6(WRN):c.3687+3A>G

Gene: WRN (WRN RecQ like helicase; plus strand). Cytogenetic location: 8p12.
Variant type: single nucleotide variant.
Coding change: c.3687+3A>G on transcript NM_000553.6 (MANE Select); 3 bases into the intron after coding-DNA position 3687, A replaced by G.
Molecular consequence: intron variant.
Genome position (GRCh38, 1-based): chr8:31,150,458, A>G. VCF-style: chr8-31150458-A-G. GRCh37 (hg19) VCF-style: chr8-31007974-A-G.
Identifiers: ClinVar variation 1041726 (VCV001041726.2), dbSNP rs764656814, ClinGen allele CA4705146.